The following is an entry in ClinVar:

ClinVar aggregate classification (germline): Pathogenic. Review status: criteria provided, multiple submitters, no conflicts (2 of 4 stars). 2 submissions from 2 submitters: Pathogenic (2). Last evaluated 2025-10-17.

Conditions:
Deficiency of acetyl-CoA acetyltransferase. Also called: Beta-ketothiolase deficiency; 3-KETOTHIOLASE DEFICIENCY; MITOCHONDRIAL ACETOACETYL-CoA THIOLASE DEFICIENCY; 3-OXOTHIOLASE DEFICIENCY. Identifiers: Orphanet 134, MedGen C1536500, MONDO:0008760, OMIM 203750. Disease mechanism: loss of function.

Submissions (2):

Myriad Genetics, Inc.
Classification: Pathogenic for Deficiency of acetyl-CoA acetyltransferase. Last evaluated: 2025-10-17. Review status: criteria provided, single submitter. Criteria: Myriad Autosomal Dominant, Autosomal Recessive and X-Linked Classification Criteria (2023). Collection method: clinical testing. Allele origin: unknown.
Comment: NM_000019.3(ACAT1):c.649_652dupAATT(S218*) is a frameshift variant classified as pathogenic in the context of beta-ketothiolase deficiency. S218* has not been observed in cases with relevant disease. Relevant functional assessments of this variant are not available in the literature. S218* has not been observed in referenced population frequency databases. In summary, NM_000019.3(ACAT1):c.649_652dupAATT(S218*) is a frameshift variant in a gene where loss of function is a known mechanism of disease and is predicted to disrupt protein function. Please note: this variant was assessed in the context of healthy population screening.

Labcorp Genetics (formerly Invitae), Labcorp
Classification: Pathogenic for Deficiency of acetyl-CoA acetyltransferase. Last evaluated: 2025-04-29. Review status: criteria provided, single submitter. Criteria: Invitae Variant Classification Sherloc (09022015). Collection method: clinical testing. Allele origin: germline.
Comment: This sequence change creates a premature translational stop signal (p.Ser218*) in the ACAT1 gene. It is expected to result in an absent or disrupted protein product. Loss-of-function variants in ACAT1 are known to be pathogenic (PMID: 7749408). This variant is present in population databases (rs764568533, gnomAD 0.0009%). This variant has not been reported in the literature in individuals affected with ACAT1-related conditions. ClinVar contains an entry for this variant (Variation ID: 1991943). For these reasons, this variant has been classified as Pathogenic.

Literature cited by the submitters: PubMed 7749408 (cited by Labcorp Genetics (formerly Invitae), Labcorp).

NM_000019.4(ACAT1):c.649_652dup (p.Ser218Ter)

Gene: ACAT1 (acetyl-CoA acetyltransferase 1; plus strand). Cytogenetic location: 11q22.3.
Variant type: Duplication.
Coding change: c.649_652dup on transcript NM_000019.4 (MANE Select); coding-DNA positions 649 to 652, 4 bases duplicated (AATT; older notation c.649_652dupAATT).
Protein change: p.Ser218Ter; replaces serine 218 with a stop codon.
Molecular consequence: nonsense. On other transcripts: non-coding transcript variant (2).
Genome position (GRCh38, 1-based): chr11:108,140,134-108,140,137, AATT duplicated; duplicating any 4 consecutive bases within chr11:108,140,131-108,140,137 gives the same sequence; the c. name uses the placement nearest the transcript's 3' end. VCF-style (leftmost placement, unchanged base first): chr11-108140130-T-TATTA. GRCh37 (hg19) VCF-style: chr11-108010857-T-TATTA.
Other names: c.649_652dup, p.Ser218Ter (NM_001386677.1); c.334_337dup, p.Ser113Ter (NM_001386678.1); c.352_355dup, p.Ser119Ter (NM_001386679.1); c.379_382dup, p.Ser128Ter (NM_001386681.1, NM_001386682.1, NM_001386685.1 and 6 more transcripts); short protein forms S218*, S113*, S128*, S119*.
Identifiers: ClinVar variation 1991943 (VCV001991943.6), dbSNP rs764568533, ClinGen allele CA6263180.